The following is an entry in ClinVar:

ClinVar aggregate classification (germline): Uncertain significance (1 of 4 stars; one submission).

Submission:

Labcorp Genetics (formerly Invitae), Labcorp
Classification: Uncertain significance. Last evaluated: 2022-07-21. Review status: criteria provided, single submitter. Criteria: Invitae Variant Classification Sherloc (09022015). Collection method: clinical testing. Allele origin: germline.
Comment: This variant is not present in population databases (gnomAD no frequency). In summary, the available evidence is currently insufficient to determine the role of this variant in disease. Therefore, it has been classified as a Variant of Uncertain Significance. Algorithms developed to predict the effect of missense changes on protein structure and function are either unavailable or do not agree on the potential impact of this missense change (SIFT: "Deleterious"; PolyPhen-2: "Benign"; Align-GVGD: "Class C0"). This variant has not been reported in the literature in individuals affected with HSPG2-related conditions. This sequence change replaces aspartic acid, which is acidic and polar, with tyrosine, which is neutral and polar, at codon 1352 of the HSPG2 protein (p.Asp1352Tyr).

NM_005529.7(HSPG2):c.4054G>T (p.Asp1352Tyr)

Gene: HSPG2 (heparan sulfate proteoglycan 2; minus strand). Cytogenetic location: 1p36.12.
Variant type: single nucleotide variant.
Coding change: c.4054G>T on transcript NM_005529.7 (MANE Select); coding-DNA position 4054, G replaced by T.
Protein change: p.Asp1352Tyr; replaces aspartic acid 1352 with tyrosine.
Molecular consequence: missense variant.
Genome position (GRCh38, 1-based): chr1:21,872,353, C>A on the plus strand (G>T on the coding strand, the complement: HSPG2 is on the minus strand). VCF-style: chr1-21872353-C-A. GRCh37 (hg19) VCF-style: chr1-22198846-C-A.
Other names: c.4057G>T, p.Asp1353Tyr (NM_001291860.2); short protein forms D1352Y, D1353Y.
Identifiers: ClinVar variation 1713498 (VCV001713498.5), dbSNP rs2550749332, ClinGen allele CA338958695.